The following is an entry in ClinVar:

ClinVar aggregate classification (germline): Uncertain significance (1 of 4 stars; one submission).

Conditions:
Cardiovascular phenotype. Identifiers: MedGen CN230736.

Allele frequency attached by ClinVar (database versions not stated): gnomAD exomes 0.00001; ExAC 0.00002.
gnomAD v4.1: 9 of 1,614,170 alleles (0.00056%); highest among the groups gnomAD compares: Non-Finnish European, 0.00076%; no homozygotes.

Submission:

Ambry Genetics
Classification: Uncertain significance for Cardiovascular phenotype. Last evaluated: 2021-06-30. Review status: criteria provided, single submitter. Criteria: Ambry Variant Classification Scheme 2023. Collection method: clinical testing. Allele origin: germline.
Comment: The p.D289E variant (also known as c.867C>G), located in coding exon 2 of the KCNJ8 gene, results from a C to G substitution at nucleotide position 867. The aspartic acid at codon 289 is replaced by glutamic acid, an amino acid with highly similar properties. This amino acid position is conserved. In addition, the in silico prediction for this alteration is inconclusive. Since supporting evidence is limited at this time, the clinical significance of this alteration remains unclear.

NM_004982.4(KCNJ8):c.867C>G (p.Asp289Glu)

Genes: KCNJ8 (potassium inwardly rectifying channel subfamily J member 8; minus strand), KCNJ8-AS1 (KCNJ8 antisense RNA 1; plus strand). Cytogenetic location: 12p12.1.
Variant type: single nucleotide variant.
Coding change: c.867C>G on transcript NM_004982.4 (MANE Select); coding-DNA position 867, C replaced by G.
Protein change: p.Asp289Glu; replaces aspartic acid 289 with glutamic acid.
Molecular consequence: missense variant.
Genome position (GRCh38, 1-based): chr12:21,766,131, G>C on the plus strand (C>G on the coding strand, the complement: KCNJ8 is on the minus strand). VCF-style: chr12-21766131-G-C. GRCh37 (hg19) VCF-style: chr12-21919065-G-C.
Identifiers: ClinVar variation 1764263 (VCV001764263.2), dbSNP rs752294105, ClinGen allele CA6480646.